The following is an entry in ClinVar:

NM_003737.4(DCHS1):c.5514G>T (p.Thr1838=)

Gene: DCHS1 (dachsous cadherin-related 1; minus strand). Cytogenetic location: 11p15.4.
Variant type: single nucleotide variant.
Coding change: c.5514G>T on transcript NM_003737.4 (MANE Select); coding-DNA position 5514, G replaced by T.
Protein change: p.Thr1838=; no amino-acid change (threonine 1838 retained).
Molecular consequence: synonymous variant.
Genome position (GRCh38, 1-based): chr11:6,627,525, C>A on the plus strand (G>T on the coding strand, the complement: DCHS1 is on the minus strand). VCF-style: chr11-6627525-C-A. GRCh37 (hg19) VCF-style: chr11-6648756-C-A.
Identifiers: ClinVar variation 4776317 (VCV004776317.1).
Genomic context (GRCh38, chr11:6,627,525, plus strand): 5'-AGGCACAGGAAAGGCTGGAGCATGGTCATTGGCATCCAGCACTGTCACTGTCAAAAGCAG[C>A]GTGGCACTGAGAGCTGGCTGGCCTCCATCCCGGGCCTCTATCCTCAGCTGGAAAGCTGGC-3'
Protein context (NP_003728.1, residues 1828-1848): RDGGQPALSA[Thr1838=]LLLTVTVLDA

ClinVar aggregate classification (germline): Uncertain significance (1 of 4 stars; one submission).

gnomAD v4.1: 2 of 1,612,398 alleles (0.00012%); highest among the groups gnomAD compares: Non-Finnish European, 0.00017%; no homozygotes.

Submission:

Labcorp Genetics (formerly Invitae), Labcorp
Classification: Uncertain significance. Last evaluated: 2025-03-22. Review status: criteria provided, single submitter. Criteria: Invitae Variant Classification Sherloc (09022015). Collection method: clinical testing. Allele origin: germline.
Comment: This sequence change affects codon 1838 of the DCHS1 mRNA. It is a 'silent' change, meaning that it does not change the encoded amino acid sequence of the DCHS1 protein. The frequency data for this variant in the population databases is considered unreliable, as metrics indicate poor data quality at this position in the gnomAD database. This variant has not been reported in the literature in individuals affected with DCHS1-related conditions. Algorithms developed to predict the effect of sequence changes on RNA splicing suggest that this variant may create or strengthen a splice site. In summary, the available evidence is currently insufficient to determine the role of this variant in disease. Therefore, it has been classified as a Variant of Uncertain Significance.